The following is an entry in ClinVar:

ClinVar aggregate classification (germline): Conflicting classifications of pathogenicity. Review status: criteria provided, conflicting classifications (1 of 4 stars). 8 submissions from 8 submitters: Pathogenic (3); Likely pathogenic (1); Uncertain significance (4). Last evaluated 2026-09-10.

Conditions:
TTN-related disorder. Also called: TTN-related condition; TTN-related disease; TTN-related disorders.
Autosomal recessive limb-girdle muscular dystrophy type 2J (LGMDR10). Also called: Limb-girdle muscular dystrophy, type 2J; MUSCULAR DYSTROPHY, LIMB-GIRDLE, AUTOSOMAL RECESSIVE 10. Identifiers: Orphanet 140922, MedGen C1837342, MONDO:0012127, OMIM 608807.
Dilated cardiomyopathy 1G (CMD1G). Identifiers: Orphanet 154, MedGen C1858763, MONDO:0011400, OMIM 604145.
Early-onset myopathy with fatal cardiomyopathy (CMYO5). Also called: CONGENITAL MYOPATHY 5 WITH CARDIOMYOPATHY; Salih Myopathy. Identifiers: Orphanet 289377, MedGen C2673677, MONDO:0012714, OMIM 611705. Disease mechanism: loss of function.
Hypertrophic cardiomyopathy 9. Also called: Familial hypertrophic cardiomyopathy 9. Identifiers: MedGen C1861065, MONDO:0013412, OMIM 613765.
Tibial muscular dystrophy (TMD). Also called: Tibial muscular dystrophy, tardive; Udd Distal Myopathy – Tibial Muscular Dystrophy; UDD MYOPATHY. Identifiers: Orphanet 609, MedGen C1838244, MONDO:0010870, OMIM 600334.
Myopathy, myofibrillar, 9, with early respiratory failure (MFM9). Also called: Myopathy, distal, with early respiratory failure, autosomal dominant; Hereditary myopathy with early respiratory failure; MYOPATHY, PROXIMAL, WITH EARLY RESPIRATORY MUSCLE INVOLVEMENT; EDSTROM MYOPATHY. Identifiers: Orphanet 178464, Orphanet 34521, MedGen C1863599, MONDO:0011362, OMIM 603689.

Submissions (8):

GeneDx
Classification: Pathogenic. Last evaluated: 2026-09-10. Review status: criteria provided, single submitter. Criteria: GeneDx Variant Classification Process June 2021. Collection method: clinical testing. Allele origin: germline.
Comment: Frameshift variant predicted to result in protein truncation or nonsense mediated decay in a gene for which loss of function is a known mechanism of disease; This variant is associated with the following publications: (PMID: 33820833, 35580751, 31691645, 36977548, 34940998, 33060286, 28040389, 29575618, 31660661, 32778822, 24575448)

PreventionGenetics, part of Exact Sciences
Classification: Pathogenic for TTN-related condition. Last evaluated: 2026-04-14. Review status: criteria provided, single submitter. Criteria: ACMG Guidelines, 2015. Collection method: clinical testing. Allele origin: germline.
Comment: The TTN c.38660delA variant is predicted to result in a frameshift and premature protein termination (p.Lys12887Argfs*60). This variant has been reported in multiple cases of autosomal recessive congenital titinopathies (Table S2, Ravenscroft et al. 2021. PubMed ID: 33060286; described as c.38657delA:p.Glu12886fs in Table S1, Laquerriere et al. 2022. PubMed ID: 33820833; Mone et al. 2022. PubMed ID: 34940998). This variant has also been reported in the compound heterozygous state to segregate with disorder in 3 siblings (Di Feo et al. 2023. PubMed ID: 36977548). This variant has been documented in a case-control study of atrial fibrillation (Online Table IX, Choi et al. 2020. PubMed ID: 31691645). This variant is reported in 0.020% of alleles in individuals of European (Non-Finnish) descent in gnomAD. This variant is located in the I-band region of the TTN protein. RNAseq studies from heart tissue indicate this exon is not commonly included in TTN mRNA transcripts (PSI of 7%, Roberts et al. 2015. PubMed ID: 25589632). TTN loss-of-function variants occurring in non-constitutively expressed exons (PSI < 90%) are less likely to be disease causing for TTN cardiac-related disorders (Roberts et al. 2015. PubMed ID: 25589632; Schafer et al. 2017. PubMed ID: 27869827; Akhtar et al. 2020. PubMed ID: 32964742). Many cases of recessive TTN-related myopathies in which the individual is compound heterozygous for two loss-of-function variants in TTN have also been reported (Oates et al. 2018. PubMed ID: 29691892; Ge et al. 2019. PubMed ID: 31053406; Rees et al. 2021. PubMed ID: 33449170). In summary, this variant is pathogenic for autosomal recessive TTN-related congenital titinopathies. However, it is uncertain if this variant would be causative for autosomal dominant TTN-related disorders.

Labcorp Genetics (formerly Invitae), Labcorp
Classification: Uncertain significance for Dilated cardiomyopathy 1G; Autosomal recessive limb-girdle muscular dystrophy type 2J. Last evaluated: 2026-02-01. Review status: criteria provided, single submitter. Criteria: Invitae Variant Classification Sherloc (09022015). Collection method: clinical testing. Allele origin: germline.
Comment: This sequence change creates a premature translational stop signal (p.Lys12887Argfs*60) in the TTN gene. While this is not anticipated to result in nonsense mediated decay, it is expected to disrupt the last 23105 amino acid(s) of the TTN protein. This variant is present in population databases (rs761617432, gnomAD 0.02%). This variant has not been reported in the literature in individuals affected with TTN-related conditions. ClinVar contains an entry for this variant (Variation ID: 404672). In summary, the available evidence is currently insufficient to determine the role of this variant in disease. Therefore, it has been classified as a Variant of Uncertain Significance.

CeGaT Center for Human Genetics Tuebingen
Classification: Pathogenic. Last evaluated: 2025-11-01. Review status: criteria provided, single submitter. Criteria: CeGaT Center For Human Genetics Tuebingen Variant Classification Criteria Version 2. Collection method: clinical testing. Allele origin: germline. Affected: yes. Observed: 2 variant alleles.
Comment: TTN: PM3:Very Strong, PVS1, PM2:Supporting

Blueprint Genetics
Classification: Likely pathogenic for TTN-related disorders. Last evaluated: 2024-09-23. Review status: criteria provided, single submitter. Criteria: ACMG Guidelines, 2015. Collection method: clinical testing. Allele origin: germline. Affected: yes. Observed: 5 variant alleles.

Revvity Omics, Revvity
Classification: Uncertain significance. Last evaluated: 2024-07-09. Review status: criteria provided, single submitter. Criteria: ACMG Guidelines, 2015. Collection method: clinical testing. Allele origin: germline.

Athena Diagnostics
Classification: Uncertain significance. Last evaluated: 2024-07-03. Review status: criteria provided, single submitter. Criteria: Athena Diagnostics Criteria. Collection method: clinical testing. Allele origin: unknown.

Fulgent Genetics
Classification: Uncertain significance for Tibial muscular dystrophy; Myopathy, myofibrillar, 9, with early respiratory failure; Dilated cardiomyopathy 1G; Autosomal recessive limb-girdle muscular dystrophy type 2J; Early-onset myopathy with fatal cardiomyopathy; Hypertrophic cardiomyopathy 9. Last evaluated: 2021-10-09. Review status: criteria provided, single submitter. Criteria: ACMG Guidelines, 2015. Collection method: clinical testing. Allele origin: unknown.

Literature cited by the submitters: PubMed 34940998 (cited by Athena Diagnostics); PubMed 31216868 (cited by Athena Diagnostics).

NM_001267550.2(TTN):c.38660del (p.Lys12887fs)

Gene: TTN (titin; minus strand). Cytogenetic location: 2q31.2.
Variant type: Deletion.
Coding change: c.38660del on transcript NM_001267550.2 (MANE Select); coding-DNA position 38660, one base deleted (A; older notation c.38660delA).
Protein change: p.Lys12887fs; shifts the reading frame from lysine 12887.
Molecular consequence: frameshift variant. On other transcripts: intron variant (5).
Genome position (GRCh38, 1-based): chr2:178,653,474, T deleted on the plus strand (A on the coding strand, the reverse complement: TTN is on the minus strand); the first of 4 consecutive T bases (chr2:178,653,474-178,653,477); deleting any one gives the same sequence. VCF-style (leftmost placement, unchanged base first): chr2-178653473-CT-C. GRCh37 (hg19) VCF-style: chr2-179518200-CT-C.
Other names: c.38660del (LRG_391t1); c.13283-11157del (NM_003319.4); c.13859-11157del (NM_133437.4); c.13658-11157del (NM_133432.3); c.31742-933del (NM_133378.4); c.34523-933del (NM_001256850.1); c.38660delA (NM_001267550.2); short protein forms K12887fs.
Identifiers: ClinVar variation 404672 (VCV000404672.20), dbSNP rs761617432, ClinGen allele CA1997105.